The following is an entry in ClinVar:

ClinVar aggregate classification (germline): Uncertain significance. Review status: criteria provided, multiple submitters, no conflicts (2 of 4 stars). 2 submissions from 2 submitters: Uncertain significance (2). Last evaluated 2025-09-02.

Conditions:
Cardiovascular phenotype. Identifiers: MedGen CN230736.
Hereditary cancer-predisposing syndrome. Also called: Hereditary neoplastic syndrome; Neoplastic Syndromes, Hereditary; Hereditary Cancer Syndrome; Tumor predisposition. Identifiers: Orphanet 140162, MedGen C0027672, MeSH D009386, MONDO:0015356.
Neurofibromatosis, type 1 (NF1). Also called: VON RECKLINGHAUSEN DISEASE; Neurofibromatosis, type I; NEUROFIBROMATOSIS, TYPE I, SOMATIC; Peripheral type neurofibromatosis. Identifiers: Orphanet 636, MedGen C0027831, MONDO:0018975, OMIM 162200. Disease mechanism: loss of function.

Submissions (2):

Labcorp Genetics (formerly Invitae), Labcorp
Classification: Uncertain significance for Neurofibromatosis, type 1. Last evaluated: 2025-09-02. Review status: criteria provided, single submitter. Criteria: Invitae Variant Classification Sherloc (09022015). Collection method: clinical testing. Allele origin: germline.
Comment: This sequence change replaces histidine, which is basic and polar, with glutamine, which is neutral and polar, at codon 31 of the NF1 protein (p.His31Gln). This variant is not present in population databases (gnomAD no frequency). This variant has not been reported in the literature in individuals affected with NF1-related conditions. ClinVar contains an entry for this variant (Variation ID: 1392452). Invitae Evidence Modeling of protein sequence and biophysical properties (such as structural, functional, and spatial information, amino acid conservation, physicochemical variation, residue mobility, and thermodynamic stability) indicates that this missense variant is not expected to disrupt NF1 protein function with a negative predictive value of 95%. In summary, the available evidence is currently insufficient to determine the role of this variant in disease. Therefore, it has been classified as a Variant of Uncertain Significance.

Ambry Genetics
Classification: Uncertain significance for Cardiovascular phenotype; Hereditary cancer-predisposing syndrome. Last evaluated: 2020-03-26. Review status: criteria provided, single submitter. Criteria: Ambry Variant Classification Scheme 2023. Collection method: clinical testing. Allele origin: germline.
Comment: The p.H31Q variant (also known as c.93T>A), located in coding exon 2 of the NF1 gene, results from a T to A substitution at nucleotide position 93. The histidine at codon 31 is replaced by glutamine, an amino acid with highly similar properties. This amino acid position is highly conserved in available vertebrate species. In addition, this alteration is predicted to be tolerated by in silico analysis. Since supporting evidence is limited at this time, the clinical significance of this alteration remains unclear.

NM_001042492.3(NF1):c.93T>A (p.His31Gln)

Gene: NF1 (neurofibromin 1; plus strand). Cytogenetic location: 17q11.2.
Variant type: single nucleotide variant.
Coding change: c.93T>A on transcript NM_001042492.3 (MANE Select); coding-DNA position 93, T replaced by A.
Protein change: p.His31Gln; replaces histidine 31 with glutamine.
Molecular consequence: missense variant.
Genome position (GRCh38, 1-based): chr17:31,156,015, T>A. VCF-style: chr17-31156015-T-A. GRCh37 (hg19) VCF-style: chr17-29483033-T-A.
Other names: c.93T>A, p.His31Gln (NM_001128147.3, NM_000267.4); short protein forms H31Q.
Identifiers: ClinVar variation 1392452 (VCV001392452.10), dbSNP rs2143625630, ClinGen allele CA398988188.